The following is an entry in ClinVar:

ClinVar aggregate classification (germline): Conflicting classifications of pathogenicity. Review status: criteria provided, conflicting classifications (1 of 4 stars). 2 submissions from 2 submitters: Uncertain significance (1); Likely benign (1). Last evaluated 2025-05-08.

gnomAD v4.1: 24 of 1,613,080 alleles (0.0015%); highest among the groups gnomAD compares: Admixed American, 0.04%; no homozygotes.

Submissions (2):

Labcorp Genetics (formerly Invitae), Labcorp
Classification: Uncertain significance. Last evaluated: 2025-05-08. Review status: criteria provided, single submitter. Criteria: Invitae Variant Classification Sherloc (09022015). Collection method: clinical testing. Allele origin: germline.
Comment: This sequence change replaces alanine, which is neutral and non-polar, with threonine, which is neutral and polar, at codon 59 of the SLC36A2 protein (p.Ala59Thr). This variant is present in population databases (no rsID available, gnomAD 0.03%). This variant has not been reported in the literature in individuals affected with SLC36A2-related conditions. ClinVar contains an entry for this variant (Variation ID: 3624984). Invitae Evidence Modeling of protein sequence and biophysical properties (such as structural, functional, and spatial information, amino acid conservation, physicochemical variation, residue mobility, and thermodynamic stability) indicates that this missense variant is not expected to disrupt SLC36A2 protein function with a negative predictive value of 80%. In summary, the available evidence is currently insufficient to determine the role of this variant in disease. Therefore, it has been classified as a Variant of Uncertain Significance.

Ambry Genetics
Classification: Likely benign. Last evaluated: 2025-04-24. Review status: criteria provided, single submitter. Criteria: Ambry Variant Classification Scheme 2023. Collection method: clinical testing. Allele origin: germline.

NM_181776.3(SLC36A2):c.175G>A (p.Ala59Thr)

Gene: SLC36A2 (solute carrier family 36 member 2; minus strand). Cytogenetic location: 5q33.1.
Variant type: single nucleotide variant.
Coding change: c.175G>A on transcript NM_181776.3 (MANE Select); coding-DNA position 175, G replaced by A.
Protein change: p.Ala59Thr; replaces alanine 59 with threonine.
Molecular consequence: missense variant.
Genome position (GRCh38, 1-based): chr5:151,344,257, C>T on the plus strand (G>A on the coding strand, the complement: SLC36A2 is on the minus strand). VCF-style: chr5-151344257-C-T. GRCh37 (hg19) VCF-style: chr5-150723818-C-T.
Other names: c.175G>A (NM_181776.2); short protein forms A59T.
Identifiers: ClinVar variation 3624984 (VCV003624984.3).
Genomic context (GRCh38, chr5:151,344,257, plus strand): 5'-CAGCGAGGGGTAGTCCCAGGATCCCTGTGCCCATGTTGCCTTTCACCAGGTGAATCAAGG[C>T]CTGGAACACTCTAAAGGAGAGGAAGGAGATGTGAAGTATGGGTGTGTGGAGGTGAGAAGA-3'
Protein context (NP_861441.2, residues 49-69): KKTKGITVFQ[Ala59Thr]LIHLVKGNMG